The following is an entry in ClinVar:

ClinVar aggregate classification (germline): Uncertain significance. Review status: criteria provided, multiple submitters, no conflicts (2 of 4 stars). 4 submissions from 3 submitters: Uncertain significance (4). Last evaluated 2025-12-22.

Conditions:
Hereditary cancer-predisposing syndrome. Also called: Neoplastic Syndromes, Hereditary; Hereditary Cancer Syndrome; Tumor predisposition; Hereditary neoplastic syndrome. Identifiers: Orphanet 140162, MedGen C0027672, MeSH D009386, MONDO:0015356.
Cardiovascular phenotype. Identifiers: MedGen CN230736.
Neurofibromatosis, type 1 (NF1). Also called: Peripheral type neurofibromatosis; Neurofibromatosis, type I; VON RECKLINGHAUSEN DISEASE; NEUROFIBROMATOSIS, TYPE I, SOMATIC. Identifiers: Orphanet 636, MedGen C0027831, MONDO:0018975, OMIM 162200. Disease mechanism: loss of function.

Submissions (4):

Labcorp Genetics (formerly Invitae), Labcorp
Classification: Uncertain significance for Neurofibromatosis, type 1. Last evaluated: 2025-12-22. Review status: criteria provided, single submitter. Criteria: Invitae Variant Classification Sherloc (09022015). Collection method: clinical testing. Allele origin: germline.
Comment: This sequence change affects codon 2193 of the NF1 mRNA. It is a 'silent' change, meaning that it does not change the encoded amino acid sequence of the NF1 protein. This variant also falls at the last nucleotide of exon 42, which is part of the consensus splice site for this exon. This variant is present in population databases (no rsID available, gnomAD no frequency). This variant has not been reported in the literature in individuals affected with NF1-related conditions. ClinVar contains an entry for this variant (Variation ID: 233116). Variants that disrupt the consensus splice site are a relatively common cause of aberrant splicing (PMID: 17576681, 9536098). Algorithms developed to predict the effect of sequence changes on RNA splicing suggest that this variant may disrupt the consensus splice site. In summary, the available evidence is currently insufficient to determine the role of this variant in disease. Therefore, it has been classified as a Variant of Uncertain Significance.

Blueprint Genetics
Classification: Uncertain significance. Last evaluated: 2021-08-13. Review status: criteria provided, single submitter. Criteria: ACMG Guidelines, 2015. Collection method: clinical testing. Allele origin: germline.

Ambry Genetics
Classification: Uncertain significance for Cardiovascular phenotype; Hereditary cancer-predisposing syndrome. Last evaluated: 2019-04-22. Review status: criteria provided, single submitter. Criteria: Ambry Variant Classification Scheme 2023. Collection method: clinical testing. Allele origin: germline.
Comment: The c.6579G>A (p.E2193E) alteration is located in exon 42 (coding exon 42) of the NF1 gene. This alteration consists of a G to A substitution at nucleotide position 6579. This nucleotide substitution does not change the amino acid at codon 2193. However, this change occurs in the last nucleotide of Exon 42 (c.6365_6579) which makes it likely to have some effect on normal mRNA splicing. Based on insufficient or conflicting evidence, the clinical significance of this alteration remains unclear.

Ambry Genetics
Classification: Uncertain significance for Hereditary cancer-predisposing syndrome. Last evaluated: 2015-07-27. Review status: criteria provided, single submitter. Criteria: Ambry Autosomal Dominant and X-Linked criteria (10/2015). Collection method: clinical testing. Allele origin: germline. Observed: 1 variant allele.
Comment: The c.6642G>A variant (also known as p.E2214E), located in coding exon 43 of the NF1 gene, results from a G to A substitution at nucleotide position 6642. This nucleotide substitution does not change the at codon 2214. However, this change occurs in the last base pair of coding exon 43, which makes it likely to have some effect on normal mRNA splicing. This variant was not reported in population based cohorts in the following databases: Database of Single Nucleotide Polymorphisms (dbSNP), NHLBI Exome Sequencing Project (ESP), and 1000 Genomes Project. In the ESP, this variant was not observed in 6503 samples (13006 alleles) with coverage at this position. To date, this alteration has been detected with an allele frequency of approximately 0.002% (greater than55000 alleles tested) in our clinical cohort.This nucleotide position is highly conserved in available vertebrate species. Using two different splice site prediction tools, this alteration is predicted by BDGP to abolish the native donor splice site, but is predicted to weaken (but not abolish) the efficacy of the native donor splice site by ESEfinder; however, direct evidence is unavailable.Since supporting evidence for this variant is limited at this time, the clinical significance ofc.6642G>Aremains unclear.

Literature cited by the submitters: PubMed 17576681 (cited by Labcorp Genetics (formerly Invitae), Labcorp); PubMed 9536098 (cited by Labcorp Genetics (formerly Invitae), Labcorp).

NM_001042492.3(NF1):c.6642G>A (p.Glu2214=)

Gene: NF1 (neurofibromin 1; plus strand). Cytogenetic location: 17q11.2.
Variant type: single nucleotide variant.
Coding change: c.6642G>A on transcript NM_001042492.3 (MANE Select); coding-DNA position 6642, G replaced by A.
Protein change: p.Glu2214=; no amino-acid change (glutamic acid 2214 retained).
Molecular consequence: synonymous variant.
Genome position (GRCh38, 1-based): chr17:31,337,582, G>A. VCF-style: chr17-31337582-G-A. GRCh37 (hg19) VCF-style: chr17-29664600-G-A.
Other names: c.6579G>A, p.Glu2193= (NM_000267.4).
Identifiers: ClinVar variation 233116 (VCV000233116.6), dbSNP rs876660207, ClinGen allele CA10580382.